The following is an entry in ClinVar:

ClinVar aggregate classification (germline): Conflicting classifications of pathogenicity. Review status: criteria provided, conflicting classifications (1 of 4 stars). 3 submissions from 3 submitters: Uncertain significance (2); Likely benign (1). Last evaluated 2025-12-19.

Conditions:
Inborn genetic diseases. Identifiers: MedGen C0950123, MeSH D030342.

Allele frequency attached by ClinVar (database versions not stated): gnomAD exomes 0.00003; TOPMed 0.00003; gnomAD 0.00004; ExAC 0.00005.
gnomAD v4.1: 26 of 1,611,536 alleles (0.0016%); highest among the groups gnomAD compares: Middle Eastern, 0.016%; no homozygotes.

Submissions (3):

Labcorp Genetics (formerly Invitae), Labcorp
Classification: Likely benign. Last evaluated: 2025-12-19. Review status: criteria provided, single submitter. Criteria: Invitae Variant Classification Sherloc (09022015). Collection method: clinical testing. Allele origin: germline.

GeneDx
Classification: Uncertain significance. Last evaluated: 2024-12-16. Review status: criteria provided, single submitter. Criteria: GeneDx Variant Classification Process June 2021. Collection method: clinical testing. Allele origin: germline. Affected: yes.
Comment: In silico analysis indicates that this missense variant does not alter protein structure/function; Has not been previously published as pathogenic or benign to our knowledge

Ambry Genetics
Classification: Uncertain significance for Inborn genetic diseases. Last evaluated: 2024-08-27. Review status: criteria provided, single submitter. Criteria: Ambry Variant Classification Scheme 2023. Collection method: clinical testing. Allele origin: germline.

NM_032119.4(ADGRV1):c.7005T>G (p.Asp2335Glu)

Gene: ADGRV1 (adhesion G protein-coupled receptor V1; plus strand). Cytogenetic location: 5q14.3.
Variant type: single nucleotide variant.
Coding change: c.7005T>G on transcript NM_032119.4 (MANE Select); coding-DNA position 7005, T replaced by G.
Protein change: p.Asp2335Glu; replaces aspartic acid 2335 with glutamic acid.
Molecular consequence: missense variant. On other transcripts: non-coding transcript variant (1).
Genome position (GRCh38, 1-based): chr5:90,692,658, T>G. VCF-style: chr5-90692658-T-G. GRCh37 (hg19) VCF-style: chr5-89988475-T-G.
Other names: c.7005T>G (NM_032119.3); short protein forms D2335E.
Identifiers: ClinVar variation 1522660 (VCV001522660.8), dbSNP rs753961140, ClinGen allele CA3339948.
Genomic context (GRCh38, chr5:90,692,658, plus strand): 5'-TTTTTAGGTTATCCAAGTGCAACTAACTGATGCCTCTGGTGGAGGTACTATTGGGTTAGA[T>G]CGAATTGCAAATATTATTATTCCTGCCAATGATGATCCTTATGGTACAGTAGCCTTTGCT-3'
Protein context (NP_115495.3, residues 2325-2345): DASGGGTIGL[Asp2335Glu]RIANIIIPAN